The following is an entry in ClinVar:

NM_198129.4(LAMA3):c.2769A>G (p.Ala923=)

Gene: LAMA3 (laminin subunit alpha 3; plus strand). Cytogenetic location: 18q11.2.
Variant type: single nucleotide variant.
Coding change: c.2769A>G on transcript NM_198129.4 (MANE Select); coding-DNA position 2769, A replaced by G.
Protein change: p.Ala923=; no amino-acid change (alanine 923 retained).
Molecular consequence: synonymous variant.
Genome position (GRCh38, 1-based): chr18:23,827,413, A>G. VCF-style: chr18-23827413-A-G. GRCh37 (hg19) VCF-style: chr18-21407377-A-G.
Other names: c.2769A>G, p.Ala923= (NM_001127717.4); c.2769A>G (NM_198129.2).
Identifiers: ClinVar variation 733533 (VCV000733533.11), dbSNP rs80345815, ClinGen allele CA8915035.

ClinVar aggregate classification (germline): Benign. Review status: criteria provided, multiple submitters, no conflicts (2 of 4 stars). 2 submissions from 2 submitters: Benign (2). Last evaluated 2026-04-03.

Conditions:
LAMA3-related disorder. Also called: LAMA3-related disorders; LAMA3-related condition.

Allele frequency attached by ClinVar (database versions not stated): gnomAD 0.00044 and 0.00058; 1000 Genomes Project 30x 0.00312; gnomAD exomes 0.00029 and 0.00125; TOPMed 0.00063; ExAC 0.00117; 1000 Genomes Project 0.00379.
gnomAD v4.1: 521 of 1,614,216 alleles (0.032%); highest among the groups gnomAD compares: East Asian, 1.1%; 5 homozygotes.

Submissions (3):

PreventionGenetics, part of Exact Sciences
Classification: Benign for LAMA3-related condition. Last evaluated: 2026-04-03. Review status: criteria provided, single submitter. Criteria: ACMG Guidelines, 2015. Collection method: clinical testing. Allele origin: germline.
Comment: This variant is classified as benign based on ACMG/AMP sequence variant interpretation guidelines (Richards et al. 2015 PMID: 25741868, with internal and published modifications).

Labcorp Genetics (formerly Invitae), Labcorp
Classification: Benign. Last evaluated: 2022-05-27. Review status: criteria provided, single submitter. Criteria: Invitae Variant Classification Sherloc (09022015). Collection method: clinical testing. Allele origin: germline.

Dr. Peter K. Rogan Lab, Western University
No classification provided (evidence only). Condition: Thyroid cancer, nonmedullary, 1. Review status: no classification provided. Collection method: in vitro. Allele origin: not applicable. Functional consequence: retained intron. Not counted in ClinVar's aggregate classification.